The following is an entry in ClinVar:

NM_004655.4(AXIN2):c.1298A>G (p.Glu433Gly)

Gene: AXIN2 (axin 2; minus strand). Cytogenetic location: 17q24.1.
Variant type: single nucleotide variant.
Coding change: c.1298A>G on transcript NM_004655.4 (MANE Select); coding-DNA position 1298, A replaced by G.
Protein change: p.Glu433Gly; replaces glutamic acid 433 with glycine.
Molecular consequence: missense variant.
Genome position (GRCh38, 1-based): chr17:65,537,738, T>C on the plus strand (A>G on the coding strand, the complement: AXIN2 is on the minus strand). VCF-style: chr17-65537738-T-C. GRCh37 (hg19) VCF-style: chr17-63533856-T-C.
Other names: c.1298A>G, p.Glu433Gly (NM_001363813.1); short protein forms E433G.
Identifiers: ClinVar variation 3470045 (VCV003470045.1).

ClinVar aggregate classification (germline): Uncertain significance (1 of 4 stars; one submission).

Conditions:
Hereditary cancer-predisposing syndrome. Also called: Tumor predisposition; Neoplastic Syndromes, Hereditary; Hereditary neoplastic syndrome; Hereditary Cancer Syndrome. Identifiers: Orphanet 140162, MedGen C0027672, MeSH D009386, MONDO:0015356.

Submission:

Ambry Genetics
Classification: Uncertain significance for Hereditary cancer-predisposing syndrome. Last evaluated: 2024-07-15. Review status: criteria provided, single submitter. Criteria: Ambry Variant Classification Scheme 2023. Collection method: clinical testing. Allele origin: germline.
Comment: The p.E433G variant (also known as c.1298A>G), located in coding exon 5 of the AXIN2 gene, results from an A to G substitution at nucleotide position 1298. The glutamic acid at codon 433 is replaced by glycine, an amino acid with similar properties. This amino acid position is conserved. In addition, the in silico prediction for this alteration is inconclusive. Based on the available evidence, the clinical significance of this variant remains unclear.